The following is an entry in ClinVar:

ClinVar aggregate classification (germline): Likely benign (0 of 4 stars; one submission).

Conditions:
NRP2-related disorder. Also called: NRP2-related condition.

Allele frequency attached by ClinVar (database versions not stated): ESP Exome Variant Server 0.00008; ExAC 0.00018; 1000 Genomes Project 0.00020; gnomAD exomes 0.00030.
gnomAD v4.1: 418 of 1,466,878 alleles (0.028%); highest among the groups gnomAD compares: South Asian, 0.043%; 1 homozygote.

Submission:

PreventionGenetics, part of Exact Sciences
Classification: Likely benign for NRP2-related condition. Last evaluated: 2023-08-29. Review status: no assertion criteria provided. Collection method: clinical testing. Allele origin: germline.
Comment: This variant is classified as likely benign based on ACMG/AMP sequence variant interpretation guidelines (Richards et al. 2015 PMID: 25741868, with internal and published modifications).

NM_003872.3(NRP2):c.2425+9714G>A

Gene: NRP2 (neuropilin 2; plus strand). Cytogenetic location: 2q33.3.
Variant type: single nucleotide variant.
Coding change: c.2425+9714G>A on transcript NM_003872.3 (MANE Select); 9714 bases into the intron after coding-DNA position 2425, G replaced by A.
Molecular consequence: intron variant. On other transcripts: synonymous variant (2).
Genome position (GRCh38, 1-based): chr2:205,776,517, G>A. VCF-style: chr2-205776517-G-A. GRCh37 (hg19) VCF-style: chr2-206641241-G-A.
Other names: c.2712G>A, p.Ser904= (NM_018534.4); c.2697G>A, p.Ser899= (NM_201267.2); c.2440+9699G>A (NM_201266.2); c.2425+9714G>A (NM_201279.2).
Identifiers: ClinVar variation 3048901 (VCV003048901.2), dbSNP rs144430402, ClinGen allele CA2069548.
Genomic context (GRCh38, chr2:205,776,517, plus strand): 5'-CGGGGCCCCTCTGGCGGTGGAGCCCACCCTAACCATTAAGCTAGAGCAAGACCGTGGCTC[G>A]CACTGCTGAGGGCCGAAGCAAGAACAGCACCCAAAACAAACGAGAAAGACTGCAAACATG-3'